The following is an entry in ClinVar:

ClinVar aggregate classification (germline): Likely benign. Review status: criteria provided, multiple submitters, no conflicts (2 of 4 stars). 2 submissions from 2 submitters: Likely benign (2). Last evaluated 2026-03-01.

Conditions:
Congenital prothrombin deficiency. Also called: HYPOPROTHROMBINEMIA; Factor II deficiency; Inherited hypoprothrombinemia; Congenital factor II deficiency; Inherited prothrombin deficiency; Hereditary factor II deficiency disease. Identifiers: Orphanet 325, MedGen C0272317, MONDO:0013361, OMIM 613679.

Allele frequency attached by ClinVar (database versions not stated): ExAC 0.00001; gnomAD 0.00003; gnomAD exomes 0.00003; TOPMed 0.00004.
gnomAD v4.1: 48 of 1,614,056 alleles (0.003%); highest among the groups gnomAD compares: African/African-American, 0.027%; no homozygotes.

Submissions (2):

CeGaT Center for Human Genetics Tuebingen
Classification: Likely benign. Last evaluated: 2026-03-01. Review status: criteria provided, single submitter. Criteria: CeGaT Center For Human Genetics Tuebingen Variant Classification Criteria Version 2. Collection method: clinical testing. Allele origin: germline. Affected: yes. Observed: 1 variant allele.
Comment: F2: BP4, BP7

Labcorp Genetics (formerly Invitae), Labcorp
Classification: Likely benign for Congenital prothrombin deficiency. Last evaluated: 2024-01-16. Review status: criteria provided, single submitter. Criteria: Invitae Variant Classification Sherloc (09022015). Collection method: clinical testing. Allele origin: germline.

NM_000506.5(F2):c.1302C>T (p.Tyr434=)

Gene: F2 (coagulation factor II, thrombin; plus strand). Cytogenetic location: 11p11.2.
Variant type: single nucleotide variant.
Coding change: c.1302C>T on transcript NM_000506.5 (MANE Select); coding-DNA position 1302, C replaced by T.
Protein change: p.Tyr434=; no amino-acid change (tyrosine 434 retained).
Molecular consequence: synonymous variant.
Genome position (GRCh38, 1-based): chr11:46,728,667, C>T. VCF-style: chr11-46728667-C-T. GRCh37 (hg19) VCF-style: chr11-46750217-C-T.
Identifiers: ClinVar variation 2884938 (VCV002884938.7), dbSNP rs201030466, ClinGen allele CA5967257.